The following is an entry in ClinVar:

ClinVar aggregate classification (germline): Pathogenic (1 of 4 stars; one submission).

Conditions:
Hypophosphatemic rickets. Identifiers: MedGen C1704375, MeSH D063730, MONDO:0024300, HP:0004912.

Submission:

Laboratory of Cyto-molecular Genetics, Department of Anatomy, All India Institute of Medical Sciences (AIIMS), New Delhi
Classification: Pathogenic for Hypophosphatemic rickets. Last evaluated: 2022-02-07. Review status: criteria provided, single submitter. Criteria: ACMG Guidelines, 2015. Collection method: clinical testing. Allele origin: de novo. Affected: yes. Observed: 1 variant allele.
Comment: p.(Leu222Glnfs*7); frameshift and premature termination codon (PTC) formation

Literature cited by the submitters: PubMed 35738466.

NM_000444.6(PHEX):c.665_674del

Gene: PHEX (phosphate regulating endopeptidase X-linked; plus strand). Cytogenetic location: Xp22.11.
Variant type: Deletion.
Coding change: c.665_674del on transcript NM_000444.6 (MANE Select); coding-DNA positions 665 to 674, 10 bases deleted (TGGACCAAGC; older notation c.665_674delTGGACCAAGC).
Molecular consequence: splice acceptor variant.
Genome position (GRCh38, 1-based): chrX:22,090,430-22,090,439, TGGACCAAGC deleted; deleting any 10 consecutive bases within chrX:22,090,427-22,090,439 gives the same sequence; the c. name uses the placement nearest the transcript's 3' end. VCF-style (leftmost placement, unchanged base first): chrX-22090426-CAGCTGGACCA-C. GRCh37 (hg19) VCF-style: chrX-22108544-CAGCTGGACCA-C.
Identifiers: ClinVar variation 1339440 (VCV001339440.3), dbSNP rs2147035443, ClinGen allele CA2573055217.